The following is an entry in ClinVar:

NM_001364905.1(LRBA):c.1161+4G>T

Gene: LRBA (LPS responsive beige-like anchor protein; minus strand). Cytogenetic location: 4q31.3.
Variant type: single nucleotide variant.
Coding change: c.1161+4G>T on transcript NM_001364905.1 (MANE Select); 4 bases into the intron after coding-DNA position 1161, G replaced by T.
Molecular consequence: intron variant.
Genome position (GRCh38, 1-based): chr4:150,914,191, C>A on the plus strand (G>T on the coding strand, the complement: LRBA is on the minus strand). VCF-style: chr4-150914191-C-A. GRCh37 (hg19) VCF-style: chr4-151835343-C-A.
Other names: c.1161+4G>T (NM_001367550.1, NM_006726.5, NM_001199282.3 and 2 more transcripts).
Identifiers: ClinVar variation 636898 (VCV000636898.15), dbSNP rs374666604, ClinGen allele CA3103659.

ClinVar aggregate classification (germline): Conflicting classifications of pathogenicity. Review status: criteria provided, conflicting classifications (1 of 4 stars). 4 submissions from 4 submitters: Uncertain significance (3); Likely benign (1). Last evaluated 2025-10-06.

Conditions:
Combined immunodeficiency due to LRBA deficiency. Also called: Common variable immunodeficiency 8, with autoimmunity. Identifiers: Orphanet 445018, MedGen C3553512, MONDO:0013863, OMIM 614700.

Allele frequency attached by ClinVar (database versions not stated): gnomAD exomes 0.00002 and 0.00006; ExAC 0.00006; gnomAD 0.00011 and 0.00013; TOPMed 0.00014; ESP Exome Variant Server 0.00023.
gnomAD v4.1: 51 of 1,598,466 alleles (0.0032%); highest among the groups gnomAD compares: African/African-American, 0.053%; no homozygotes.

Submissions (4):

Labcorp Genetics (formerly Invitae), Labcorp
Classification: Uncertain significance for Combined immunodeficiency due to LRBA deficiency. Last evaluated: 2025-10-06. Review status: criteria provided, single submitter. Criteria: Invitae Variant Classification Sherloc (09022015). Collection method: clinical testing. Allele origin: germline.
Comment: This sequence change falls in intron 9 of the LRBA gene. It does not directly change the encoded amino acid sequence of the LRBA protein. It affects a nucleotide within the consensus splice site. This variant is present in population databases (rs374666604, gnomAD 0.08%). This variant has not been reported in the literature in individuals affected with LRBA-related conditions. ClinVar contains an entry for this variant (Variation ID: 636898). Variants that disrupt the consensus splice site are a relatively common cause of aberrant splicing (PMID: 17576681, 9536098). Algorithms developed to predict the effect of sequence changes on RNA splicing suggest that this variant is not likely to affect RNA splicing. In summary, the available evidence is currently insufficient to determine the role of this variant in disease. Therefore, it has been classified as a Variant of Uncertain Significance.

Department of Pediatrics and Child Health, Lancet General Hospital
Classification: Uncertain significance for Combined immunodeficiency due to LRBA deficiency. Last evaluated: 2025-05-23. Review status: criteria provided, single submitter. Criteria: ACMG Guidelines, 2015. Collection method: provider interpretation. Allele origin: germline. Inheritance: Autosomal recessive inheritance. Affected: no. Observed: 1 variant allele, 1 heterozygote.
Comment: LRBA (NM_001364905.1):c.1161+4G>T p.?. is a genetic change in the LRBA gene where exact effect on protein is currently unknown. This change occurs in the non-coding region of the genetic sequence with replacement of guanine by thymine at position of intron 9. This variant is reported by large databases(dbSNP ID: rs374666604, and genomAD with allele frequency of 0.08%). Additionally this variant is reported in ClinVar (variant ID: 636898 and VCV000636898.10). But there is not enough scientific data yet to prove whether this specific change causes disease or is just a harmless natural variation.

CeGaT Center for Human Genetics Tuebingen
Classification: Uncertain significance. Last evaluated: 2025-03-01. Review status: criteria provided, single submitter. Criteria: CeGaT Center For Human Genetics Tuebingen Variant Classification Criteria Version 2. Collection method: clinical testing. Allele origin: germline. Affected: yes. Observed: 1 variant allele.
Comment: LRBA: PM2, BP4

Blueprint Genetics
Classification: Likely benign. Last evaluated: 2024-09-23. Review status: criteria provided, single submitter. Criteria: ACMG Guidelines, 2015. Collection method: clinical testing. Allele origin: germline.

Literature cited by the submitters: PubMed 17576681 (cited by Labcorp Genetics (formerly Invitae), Labcorp); PubMed 9536098 (cited by Labcorp Genetics (formerly Invitae), Labcorp).